The following is an entry in ClinVar:

NM_021096.4(CACNA1I):c.3376C>G (p.Leu1126Val)

Gene: CACNA1I (calcium voltage-gated channel subunit alpha1 I; plus strand). Cytogenetic location: 22q13.1.
Variant type: single nucleotide variant.
Coding change: c.3376C>G on transcript NM_021096.4 (MANE Select); coding-DNA position 3376, C replaced by G.
Protein change: p.Leu1126Val; replaces leucine 1126 with valine.
Molecular consequence: missense variant.
Genome position (GRCh38, 1-based): chr22:39,662,779, C>G. VCF-style: chr22-39662779-C-G. GRCh37 (hg19) VCF-style: chr22-40058784-C-G.
Other names: c.3271C>G, p.Leu1091Val (NM_001003406.2); short protein forms L1091V, L1126V.
Identifiers: ClinVar variation 3897964 (VCV003897964.1).

ClinVar aggregate classification (germline): Uncertain significance (1 of 4 stars; one submission).

Conditions:
Neurodevelopmental disorder with speech impairment and with or without seizures. Also called: Neurodevelopmental disorder with variable intellectual disability and speech impairment, with or without seizures. Identifiers: MedGen C5774252, MONDO:0859313, OMIM 620114.

Submission:

Neuberg Centre For Genomic Medicine, NCGM
Classification: Uncertain significance for Neurodevelopmental disorder with speech impairment and with or without seizures. Last evaluated: 2024-02-01. Review status: criteria provided, single submitter. Criteria: ACMG Guidelines, 2015. Collection method: clinical testing. Allele origin: germline. Inheritance: Autosomal dominant inheritance.
Comment: The above variant in CACNA1I gene has not been reported previously as a pathogenic variant nor as a benign variant, to our knowledge